The following is an entry in ClinVar:

ClinVar aggregate classification (germline): Uncertain significance (1 of 4 stars; one submission).

Submission:

Ambry Genetics
Classification: Uncertain significance. Last evaluated: 2024-05-23. Review status: criteria provided, single submitter. Criteria: Ambry Variant Classification Scheme 2023. Collection method: clinical testing. Allele origin: germline.
Comment: The p.P7L variant (also known as c.20C>T), located in coding exon 2 of the RAD54L gene, results from a C to T substitution at nucleotide position 20. The proline at codon 7 is replaced by leucine, an amino acid with similar properties. This amino acid position is conserved. In addition, the in silico prediction for this alteration is inconclusive. Based on the available evidence, the clinical significance of this variant remains unclear.

NM_003579.4(RAD54L):c.20C>T (p.Pro7Leu)

Gene: RAD54L (RAD54 like; plus strand). Cytogenetic location: 1p34.1.
Variant type: single nucleotide variant.
Coding change: c.20C>T on transcript NM_003579.4 (MANE Select); coding-DNA position 20, C replaced by T.
Protein change: p.Pro7Leu; replaces proline 7 with leucine.
Molecular consequence: missense variant. On other transcripts: 5 prime UTR variant (1).
Genome position (GRCh38, 1-based): chr1:46,248,528, C>T. VCF-style: chr1-46248528-C-T. GRCh37 (hg19) VCF-style: chr1-46714200-C-T.
Other names: c.20C>T, p.Pro7Leu (NM_001142548.2); c.-521C>T (NM_001370766.1); short protein forms P7L.
Identifiers: ClinVar variation 3312438 (VCV003312438.1).